The following is an entry in ClinVar:

ClinVar aggregate classification (germline): Uncertain significance (1 of 4 stars; one submission).

gnomAD v4.1: 2 of 1,614,070 alleles (0.00012%); highest among the groups gnomAD compares: Admixed American, 0.0017%; no homozygotes.

Submission:

Labcorp Genetics (formerly Invitae), Labcorp
Classification: Uncertain significance. Last evaluated: 2025-11-28. Review status: criteria provided, single submitter. Criteria: Invitae Variant Classification Sherloc (09022015). Collection method: clinical testing. Allele origin: germline.
Comment: This sequence change replaces alanine, which is neutral and non-polar, with valine, which is neutral and non-polar, at codon 829 of the NTRK2 protein (p.Ala829Val). This variant is present in population databases (no rsID available, gnomAD 0.003%). This variant has not been reported in the literature in individuals affected with NTRK2-related conditions. ClinVar contains an entry for this variant (Variation ID: 3683669). Invitae Evidence Modeling of protein sequence and biophysical properties (such as structural, functional, and spatial information, amino acid conservation, physicochemical variation, residue mobility, and thermodynamic stability) indicates that this missense variant is not expected to disrupt NTRK2 protein function with a negative predictive value of 80%. Algorithms developed to predict the effect of sequence changes on RNA splicing suggest that this variant may create or strengthen a splice site. In summary, the available evidence is currently insufficient to determine the role of this variant in disease. Therefore, it has been classified as a Variant of Uncertain Significance.

NM_006180.6(NTRK2):c.2486C>T (p.Ala829Val)

Gene: NTRK2 (neurotrophic receptor tyrosine kinase 2; plus strand). Cytogenetic location: 9q21.33.
Variant type: single nucleotide variant.
Coding change: c.2486C>T on transcript NM_006180.6 (MANE Select); coding-DNA position 2486, C replaced by T.
Protein change: p.Ala829Val; replaces alanine 829 with valine.
Molecular consequence: missense variant.
Genome position (GRCh38, 1-based): chr9:85,021,406, C>T. VCF-style: chr9-85021406-C-T. GRCh37 (hg19) VCF-style: chr9-87636321-C-T.
Other names: c.2438C>T, p.Ala813Val (NM_001018064.3, NM_001369532.1, NM_001369533.1); c.2402C>T, p.Ala801Val (NM_001369534.1); c.1970C>T, p.Ala657Val (NM_001369535.1); c.2018C>T, p.Ala673Val (NM_001369536.1); short protein forms A813V, A801V, A657V, A673V, A829V.
Identifiers: ClinVar variation 3683669 (VCV003683669.2).
Genomic context (GRCh38, chr9:85,021,406, plus strand): 5'-AGCCCCACATGAGGAAGAACATCAAGGGCATCCATACCCTCCTTCAGAACTTGGCCAAGG[C>T]ATCTCCGGTCTACCTGGACATTCTAGGCTAGGGCCCTTTTCCCCAGACCGATCCTTCCCA-3'
Protein context (NP_006171.2, residues 819-838): IHTLLQNLAK[Ala829Val]SPVYLDILG